The following is an entry in ClinVar:

ClinVar aggregate classification (germline): Uncertain significance (1 of 4 stars; one submission).

Conditions:
Hereditary spastic paraplegia 28. Also called: Spastic paraplegia 28, autosomal recessive. Identifiers: Orphanet 101008, MedGen C1836295, MONDO:0012256, OMIM 609340.

Submission:

Labcorp Genetics (formerly Invitae), Labcorp
Classification: Uncertain significance for Hereditary spastic paraplegia 28. Last evaluated: 2022-01-03. Review status: criteria provided, single submitter. Criteria: Invitae Variant Classification Sherloc (09022015). Collection method: clinical testing. Allele origin: germline.
Comment: Variants that disrupt the consensus splice site are a relatively common cause of aberrant splicing (PMID: 17576681, 9536098). Algorithms developed to predict the effect of sequence changes on RNA splicing suggest that this variant may disrupt the consensus splice site. This variant has not been reported in the literature in individuals affected with DDHD1-related conditions. This variant is not present in population databases (gnomAD no frequency). This sequence change falls in intron 10 of the DDHD1 gene. It does not directly change the encoded amino acid sequence of the DDHD1 protein. It affects a nucleotide within the consensus splice site. In summary, the available evidence is currently insufficient to determine the role of this variant in disease. Therefore, it has been classified as a Variant of Uncertain Significance.

Literature cited by the submitters: PubMed 17576681; PubMed 9536098.

NM_001160148.2(DDHD1):c.1993-3A>G

Gene: DDHD1 (DDHD domain containing 1; minus strand). Cytogenetic location: 14q22.1.
Variant type: single nucleotide variant.
Coding change: c.1993-3A>G on transcript NM_001160148.2 (MANE Select); 3 bases into the intron before coding-DNA position 1993, A replaced by G.
Molecular consequence: intron variant.
Genome position (GRCh38, 1-based): chr14:53,055,915, T>C on the plus strand (A>G on the coding strand, the complement: DDHD1 is on the minus strand). VCF-style: chr14-53055915-T-C. GRCh37 (hg19) VCF-style: chr14-53522633-T-C.
Other names: c.1993-3A>G (NM_030637.3); c.2014-3A>G (NM_001160147.2).
Identifiers: ClinVar variation 2071308 (VCV002071308.4), dbSNP rs2503054455, ClinGen allele CA2580088245.
Genomic context (GRCh38, chr14:53,055,915, plus strand): 5'-TCTGGACAGGTGAAATGTTGCTGTAGTGTTTCAGTATTAATGGTTCTAATCTATAAGCCT[T>C]GATTTAAAAAAAAAAATTCAAAGAAACACAGTGTTAAATCACAATGCTTGGATTTTAGTA-3'